The following is an entry in ClinVar:

ClinVar aggregate classification (germline): Benign/Likely benign. Review status: criteria provided, multiple submitters, no conflicts (2 of 4 stars). 10 submissions from 10 submitters: Benign (8); Likely benign (1). 1 of the submissions does not count toward it. Last evaluated 2026-02-03.

Conditions:
HCN4-related disorder. Also called: HCN4-related condition.
Cardiovascular phenotype. Identifiers: MedGen CN230736.
Brugada syndrome 8 (BRGDA8). Identifiers: Orphanet 130, MedGen C2751083, MONDO:0013148, OMIM 613123.

Allele frequency attached by ClinVar (database versions not stated): gnomAD exomes 0.00073; ExAC 0.00091; 1000 Genomes Project 0.00260; ESP Exome Variant Server 0.00300; 1000 Genomes Project 30x 0.00312; gnomAD 0.00352; TOPMed 0.00393.
gnomAD v4.1: 955 of 1,603,702 alleles (0.06%); highest among the groups gnomAD compares: African/African-American, 1.2%; 3 homozygotes.

Submissions (10):

Labcorp Genetics (formerly Invitae), Labcorp
Classification: Benign for Brugada syndrome 8. Last evaluated: 2026-02-03. Review status: criteria provided, single submitter. Criteria: Invitae Variant Classification Sherloc (09022015). Collection method: clinical testing. Allele origin: germline.

Molecular Diagnostic Laboratory for Inherited Cardiovascular Disease, Montreal Heart Institute
Classification: Benign. Last evaluated: 2025-04-09. Review status: criteria provided, single submitter. Criteria: ACMG Guidelines, 2015. Collection method: clinical testing. Allele origin: germline. Affected: no.

Blueprint Genetics
Classification: Likely benign. Last evaluated: 2024-11-12. Review status: criteria provided, single submitter. Criteria: ACMG Guidelines, 2015. Collection method: clinical testing. Allele origin: germline.

ARUP Laboratories, Molecular Genetics and Genomics, ARUP Laboratories
Classification: Benign. Last evaluated: 2024-06-21. Review status: criteria provided, single submitter. Criteria: ARUP Molecular Germline Variant Investigation Process 2024. Collection method: clinical testing. Allele origin: germline.

Mayo Clinic Laboratories, Mayo Clinic
Classification: Benign. Last evaluated: 2023-12-13. Review status: criteria provided, single submitter. Criteria: ACMG Guidelines, 2015. Collection method: clinical testing. Allele origin: germline. Observed: 4 variant alleles.
Comment: BA1, BS2, BP4, BP7

Athena Diagnostics
Classification: Benign. Last evaluated: 2018-02-06. Review status: criteria provided, single submitter. Criteria: Athena Diagnostics Criteria. Collection method: clinical testing. Allele origin: germline.

Ambry Genetics
Classification: Benign for Cardiovascular phenotype. Last evaluated: 2016-08-29. Review status: criteria provided, single submitter. Criteria: Ambry Variant Classification Scheme 2023. Collection method: clinical testing. Allele origin: germline.

GeneDx
Classification: Benign. Last evaluated: 2015-11-04. Review status: criteria provided, single submitter. Criteria: GeneDx Variant Classification (06012015). Collection method: clinical testing. Allele origin: germline. Affected: yes.
Comment: This variant is considered likely benign or benign based on one or more of the following criteria: it is a conservative change, it occurs at a poorly conserved position in the protein, it is predicted to be benign by multiple in silico algorithms, and/or has population frequency not consistent with disease.

Eurofins Ntd Llc (ga)
Classification: Benign. Last evaluated: 2014-11-25. Review status: criteria provided, single submitter. Criteria: EGL Classification Definitions 2015. Collection method: clinical testing. Allele origin: germline. Observed: 2 variant alleles, 2 heterozygotes.

PreventionGenetics, part of Exact Sciences
Classification: Benign for HCN4-related condition. Last evaluated: 2019-06-28. Review status: no assertion criteria provided. Collection method: clinical testing. Allele origin: germline. Not counted in ClinVar's aggregate classification.
Comment: This variant is classified as benign based on ACMG/AMP sequence variant interpretation guidelines (Richards et al. 2015 PMID: 25741868, with internal and published modifications).

NM_005477.3(HCN4):c.2601C>A (p.Ala867=)

Gene: HCN4 (hyperpolarization activated cyclic nucleotide gated potassium channel 4; minus strand). Cytogenetic location: 15q24.1.
Variant type: single nucleotide variant.
Coding change: c.2601C>A on transcript NM_005477.3 (MANE Select); coding-DNA position 2601, C replaced by A.
Protein change: p.Ala867=; no amino-acid change (alanine 867 retained).
Molecular consequence: synonymous variant.
Genome position (GRCh38, 1-based): chr15:73,323,492, G>T on the plus strand (C>A on the coding strand, the complement: HCN4 is on the minus strand). VCF-style: chr15-73323492-G-T. GRCh37 (hg19) VCF-style: chr15-73615833-G-T.
Other names: p.Ala867=.
Identifiers: ClinVar variation 198821 (VCV000198821.26), dbSNP rs143188160, ClinGen allele CA203633.
Genomic context (GRCh38, chr15:73,323,492, plus strand): 5'-ACAGGCCCCGGGGGGTGGGGAGGAGCTGGATGAGGGCAGGAGTGGGCTCAGTCCAGCGGG[G>T]GCAGAGAATCCAGCCAGCTGTTGGATGTGGAAGGAGGATGAAGACGGTGTGTCCACCTGG-3'
Protein context (NP_005468.1, residues 857-877): FHIQQLAGFS[Ala867=]PAGLSPLLPS